The following is an entry in ClinVar:

NM_018417.6(ADCY10):c.2956G>A (p.Ala986Thr)

Gene: ADCY10 (adenylate cyclase 10; minus strand). Cytogenetic location: 1q24.2.
Variant type: single nucleotide variant.
Coding change: c.2956G>A on transcript NM_018417.6 (MANE Select); coding-DNA position 2956, G replaced by A.
Protein change: p.Ala986Thr; replaces alanine 986 with threonine.
Molecular consequence: missense variant.
Genome position (GRCh38, 1-based): chr1:167,845,614, C>T on the plus strand (G>A on the coding strand, the complement: ADCY10 is on the minus strand). VCF-style: chr1-167845614-C-T. GRCh37 (hg19) VCF-style: chr1-167814852-C-T.
Other names: c.2497G>A, p.Ala833Thr (NM_001167749.3); c.2680G>A, p.Ala894Thr (NM_001297772.2); short protein forms A833T, A894T, A986T.
Identifiers: ClinVar variation 1921284 (VCV001921284.5), dbSNP rs771678044, ClinGen allele CA1227513.

ClinVar aggregate classification (germline): Uncertain significance (1 of 4 stars; one submission).

Allele frequency attached by ClinVar (database versions not stated): ExAC 0.00001; TOPMed 0.00001; gnomAD 0.00002.
gnomAD v4.1: 46 of 1,614,080 alleles (0.0028%); highest among the groups gnomAD compares: Non-Finnish European, 0.0036%; no homozygotes.

Submission:

Labcorp Genetics (formerly Invitae), Labcorp
Classification: Uncertain significance. Last evaluated: 2024-05-06. Review status: criteria provided, single submitter. Criteria: Invitae Variant Classification Sherloc (09022015). Collection method: clinical testing. Allele origin: germline.
Comment: This sequence change replaces alanine, which is neutral and non-polar, with threonine, which is neutral and polar, at codon 986 of the ADCY10 protein (p.Ala986Thr). This variant is present in population databases (rs771678044, gnomAD 0.004%). This variant has not been reported in the literature in individuals affected with ADCY10-related conditions. ClinVar contains an entry for this variant (Variation ID: 1921284). Algorithms developed to predict the effect of missense changes on protein structure and function output the following: SIFT: "Not Available"; PolyPhen-2: "Benign"; Align-GVGD: "Not Available". The threonine amino acid residue is found in multiple mammalian species, which suggests that this missense change does not adversely affect protein function. In summary, the available evidence is currently insufficient to determine the role of this variant in disease. Therefore, it has been classified as a Variant of Uncertain Significance.